The following is an entry in ClinVar:

ClinVar aggregate classification (germline): Benign/Likely benign. Review status: criteria provided, multiple submitters, no conflicts (2 of 4 stars). 2 submissions from 2 submitters: Benign (1); Likely benign (1). Last evaluated 2024-03-28.

Conditions:
Breast-ovarian cancer, familial, susceptibility to, 4. Identifiers: Orphanet 145, MedGen C3280345, MONDO:0013669, OMIM 614291.

Submissions (2):

Labcorp Genetics (formerly Invitae), Labcorp
Classification: Benign for Breast-ovarian cancer, familial, susceptibility to, 4. Last evaluated: 2024-03-28. Review status: criteria provided, single submitter. Criteria: Invitae Variant Classification Sherloc (09022015). Collection method: clinical testing. Allele origin: germline.

GeneDx
Classification: Likely benign. Last evaluated: 2017-08-02. Review status: criteria provided, single submitter. Criteria: GeneDx Variant Classification (06012015). Collection method: clinical testing. Allele origin: germline. Affected: yes.
Comment: This variant is considered likely benign or benign based on one or more of the following criteria: it is a conservative change, it occurs at a poorly conserved position in the protein, it is predicted to be benign by multiple in silico algorithms, and/or has population frequency not consistent with disease.

NM_002878.4(RAD51D):c.263+20del

Genes: RAD51L3-RFFL (RAD51L3-RFFL readthrough; minus strand), RAD51D (RAD51 paralog D; minus strand). Cytogenetic location: 17q12.
Variant type: Deletion.
Coding change: c.263+20del on transcript NM_002878.4 (MANE Select); 20 bases into the intron after coding-DNA position 263, one base deleted (G; older notation c.263+20delG).
Molecular consequence: intron variant.
Genome position (GRCh38, 1-based): chr17:35,118,481, C deleted on the plus strand (G on the coding strand, the reverse complement: RAD51D is on the minus strand); the first of 4 consecutive C bases (chr17:35,118,481-35,118,484); deleting any one gives the same sequence. VCF-style (leftmost placement, unchanged base first): chr17-35118480-TC-T. GRCh37 (hg19) VCF-style: chr17-33445499-TC-T.
Other names: c.144+630del (NM_133629.3, NM_001142571.2); c.263+20delG (NM_002878.3).
Identifiers: ClinVar variation 511303 (VCV000511303.3), dbSNP rs1555570237, ClinGen allele CA658798815.
Genomic context (GRCh38, chr17:35,118,480, plus strand): 5'-AGACTCAAGCATCAAAAGCAGAGCTGAGAGGAGGCCCCATCCTCCTGCCTCTCTCCTTCT[TC>T]CCCAAGTACACACACAAACCTGCCAATGCCAGTGGACAGGATGGCAGTGGAGGTCTTCAG-3'